The following is an entry in ClinVar:

ClinVar aggregate classification (germline): Uncertain significance (1 of 4 stars; one submission).

Submission:

Women's Health and Genetics/Laboratory Corporation of America, LabCorp
Classification: Uncertain significance. Last evaluated: 2025-11-18. Review status: criteria provided, single submitter. Criteria: LabCorp Variant Classification Summary - May 2015. Collection method: clinical testing. Allele origin: germline.
Comment: Variant summary: HBB c.94C>A (p.Leu32Met) results in a conservative amino acid change in the encoded protein sequence. Algorithms developed to predict the effect of missense changes on protein structure and function are either unavailable or do not agree on the potential impact of this missense change. Consensus agreement among computation tools predict no significant impact on normal splicing. However, these predictions have yet to be confirmed by functional studies. The variant was absent in 251314 control chromosomes. The available data on variant occurrences in the general population are insufficient to allow any conclusion about variant significance. To our knowledge, no occurrence of c.94C>A in individuals affected with HBB-related conditions and no experimental evidence demonstrating its impact on protein function have been reported. No submitters have cited clinical-significance assessments for this variant to ClinVar. Based on the evidence outlined above, the variant was classified as uncertain significance.

NM_000518.5(HBB):c.94C>A (p.Leu32Met)

Genes: HBB (hemoglobin subunit beta; minus strand), LOC106099062 (HBB recombination region; plus strand), LOC107133510 (origin of replication at HBB; plus strand). Cytogenetic location: 11p15.4.
Variant type: single nucleotide variant.
Coding change: c.94C>A on transcript NM_000518.5 (MANE Select); coding-DNA position 94, C replaced by A.
Protein change: p.Leu32Met; replaces leucine 32 with methionine.
Molecular consequence: missense variant.
Genome position (GRCh38, 1-based): chr11:5,226,798, G>T on the plus strand (C>A on the coding strand, the complement: HBB is on the minus strand). VCF-style: chr11-5226798-G-T. GRCh37 (hg19) VCF-style: chr11-5248028-G-T.
Other names: short protein forms L32M.
Identifiers: ClinVar variation 4537333 (VCV004537333.1).